The following is an entry in ClinVar:

ClinVar aggregate classification (germline): Uncertain significance (1 of 4 stars; one submission).

Conditions:
SH3PXD2B-related disorder. Also called: SH3PXD2B-related condition.

gnomAD v4.1: 7 of 1,614,248 alleles (0.00043%); highest among the groups gnomAD compares: Admixed American, 0.0017%; 1 homozygote.

Submission:

PreventionGenetics, part of Exact Sciences
Classification: Uncertain significance for SH3PXD2B-related condition. Last evaluated: 2025-06-04. Review status: criteria provided, single submitter. Criteria: ACMG Guidelines, 2015. Collection method: clinical testing. Allele origin: germline.
Comment: The SH3PXD2B c.1426G>T variant is predicted to result in the amino acid substitution p.Gly476Cys. To our knowledge, this variant has not been reported in the literature. This variant is reported in 0.00088% of alleles in individuals of European (Non-Finnish) descent in gnomAD. At this time, the clinical significance of this variant is uncertain due to the absence of conclusive functional and genetic evidence.

NM_001017995.3(SH3PXD2B):c.1426G>T (p.Gly476Cys)

Gene: SH3PXD2B (SH3 and PX domains 2B; minus strand). Cytogenetic location: 5q35.1.
Variant type: single nucleotide variant.
Coding change: c.1426G>T on transcript NM_001017995.3 (MANE Select); coding-DNA position 1426, G replaced by T.
Protein change: p.Gly476Cys; replaces glycine 476 with cysteine.
Molecular consequence: missense variant. On other transcripts: intron variant (1).
Genome position (GRCh38, 1-based): chr5:172,339,679, C>A on the plus strand (G>T on the coding strand, the complement: SH3PXD2B is on the minus strand). VCF-style: chr5-172339679-C-A. GRCh37 (hg19) VCF-style: chr5-171766683-C-A.
Other names: c.1188+6457G>T (NM_001308175.2); short protein forms G476C.
Identifiers: ClinVar variation 4987502 (VCV004987502.1).